The following is an entry in ClinVar:

ClinVar aggregate classification (germline): Uncertain significance (1 of 4 stars; one submission).

Submission:

Labcorp Genetics (formerly Invitae), Labcorp
Classification: Uncertain significance. Last evaluated: 2023-08-04. Review status: criteria provided, single submitter. Criteria: Invitae Variant Classification Sherloc (09022015). Collection method: clinical testing. Allele origin: germline.
Comment: In summary, the available evidence is currently insufficient to determine the role of this variant in disease. Therefore, it has been classified as a Variant of Uncertain Significance. Advanced modeling of protein sequence and biophysical properties (such as structural, functional, and spatial information, amino acid conservation, physicochemical variation, residue mobility, and thermodynamic stability) performed at Invitae indicates that this missense variant is not expected to disrupt CACNA1F protein function. ClinVar contains an entry for this variant (Variation ID: 1718777). This variant has not been reported in the literature in individuals affected with CACNA1F-related conditions. This variant is not present in population databases (gnomAD no frequency). This sequence change replaces leucine, which is neutral and non-polar, with phenylalanine, which is neutral and non-polar, at codon 624 of the CACNA1F protein (p.Leu624Phe).

NM_001256789.3(CACNA1F):c.1837C>T (p.Leu613Phe)

Gene: CACNA1F (calcium voltage-gated channel subunit alpha1 F; minus strand). Cytogenetic location: Xp11.23.
Variant type: single nucleotide variant.
Coding change: c.1837C>T on transcript NM_001256789.3 (MANE Select); coding-DNA position 1837, C replaced by T.
Protein change: p.Leu613Phe; replaces leucine 613 with phenylalanine.
Molecular consequence: missense variant.
Genome position (GRCh38, 1-based): chrX:49,224,801, G>A on the plus strand (C>T on the coding strand, the complement: CACNA1F is on the minus strand). VCF-style: chrX-49224801-G-A. GRCh37 (hg19) VCF-style: chrX-49081263-G-A.
Other names: c.1675C>T, p.Leu559Phe (NM_001256790.3); c.1870C>T, p.Leu624Phe (NM_005183.4); short protein forms L559F, L613F, L624F.
Identifiers: ClinVar variation 1718777 (VCV001718777.5), dbSNP rs2519120088, ClinGen allele CA412914539.